The following is an entry in ClinVar:

ClinVar aggregate classification (germline): Conflicting classifications of pathogenicity. Review status: criteria provided, conflicting classifications (1 of 4 stars). 5 submissions from 5 submitters: Uncertain significance (4); Likely benign (1). Last evaluated 2024-10-16.

Conditions:
Multiple endocrine neoplasia type 2B. Also called: Multiple endocrine neoplasia, type 3; MULTIPLE ENDOCRINE NEOPLASIA, TYPE IIB; MEN IIB; NEUROMATA, MUCOSAL, WITH ENDOCRINE TUMORS; WAGENMANN-FROBOESE SYNDROME; MULTIPLE ENDOCRINE NEOPLASIA, TYPE III. Identifiers: Orphanet 247709, Orphanet 653, MedGen C0025269, MeSH D018814, MONDO:0008082, OMIM 162300.
Pheochromocytoma. Also called: MAX-Related Hereditary Paraganglioma-Pheochromocytoma Syndrome. Identifiers: Orphanet 29072, MedGen C0031511, MONDO:0008233, OMIM 171300, HP:0002666.
Familial medullary thyroid carcinoma (MTC). Also called: Thyroid cancer, familial medullary; MTC, familial; Familial Medullary Thyroid Carcinoma (FMTC). Identifiers: Orphanet 653, Orphanet 99361, MedGen C1833921, MONDO:0007958, OMIM 155240.
Hirschsprung disease, susceptibility to, 1 (HSCR1). Also called: RET-Related Hirschsprung Disease. Identifiers: Orphanet 388, MedGen C3888239, MONDO:0007723, OMIM 142623.
Multiple endocrine neoplasia type 2A. Also called: MULTIPLE ENDOCRINE NEOPLASIA, TYPE IIA; PTC SYNDROME; SIPPLE SYNDROME; MEN 2A; MEN-2A syndrome; Pheochromocytoma and amyloid producing medullary thyroid carcinoma. Identifiers: Orphanet 247698, Orphanet 653, MedGen C0025268, MeSH D018813, MONDO:0008234, OMIM 171400.
Hereditary cancer-predisposing syndrome. Also called: Hereditary Cancer Syndrome; Hereditary neoplastic syndrome; Neoplastic Syndromes, Hereditary; Tumor predisposition. Identifiers: Orphanet 140162, MedGen C0027672, MeSH D009386, MONDO:0015356.
Multiple endocrine neoplasia, type 2 (MEN2). Identifiers: Orphanet 653, MedGen C4048306, MONDO:0019003. Disease mechanism: gain of function.

gnomAD v4.1: 3 of 1,613,484 alleles (0.00019%); highest among the groups gnomAD compares: Non-Finnish European, 0.00025%; no homozygotes.

Submissions (5):

Ambry Genetics
Classification: Uncertain significance for Hereditary cancer-predisposing syndrome. Last evaluated: 2024-10-16. Review status: criteria provided, single submitter. Criteria: Ambry Variant Classification Scheme 2023. Collection method: clinical testing. Allele origin: germline.
Comment: The c.1264-5C>A intronic variant results from a C to A substitution 5 nucleotides upstream from coding exon 7 in the RET gene. This nucleotide position is not well conserved in available vertebrate species. In silico splice site analysis for this alteration is inconclusive. Since supporting evidence is limited at this time, the clinical significance of this alteration remains unclear.

Labcorp Genetics (formerly Invitae), Labcorp
Classification: Likely benign for Multiple endocrine neoplasia, type 2. Last evaluated: 2024-09-29. Review status: criteria provided, single submitter. Criteria: Invitae Variant Classification Sherloc (09022015). Collection method: clinical testing. Allele origin: germline.

All of Us Research Program, National Institutes of Health
Classification: Uncertain significance for Multiple endocrine neoplasia, type 2. Last evaluated: 2023-03-23. Review status: criteria provided, single submitter. Criteria: ACMG Guidelines, 2015. Collection method: clinical testing. Allele origin: germline. Inheritance: Autosomal dominant inheritance. Observed: 1 variant allele, 1 heterozygote.
Comment: This variant causes a C to A nucleotide substitution at the -5 position of intron 6 of the RET gene. To our knowledge, functional studies have not been reported for this variant. This variant has not been reported in individuals affected with RET-related disorders in the literature. This variant has not been identified in the general population by the Genome Aggregation Database (gnomAD). The available evidence is insufficient to determine the role of this variant in disease conclusively. Therefore, this variant is classified as a Variant of Uncertain Significance.

This study involves interpretation of variants in research participants for the purpose of population health screening. Participant phenotype was not available at the time of variant classification. Additional details can be found in publication PMID: 35346344, PMCID: PMC8962531

Fulgent Genetics
Classification: Uncertain significance for Hirschsprung disease, susceptibility to, 1; Familial medullary thyroid carcinoma; Multiple endocrine neoplasia type 2B; Pheochromocytoma; Multiple endocrine neoplasia type 2A. Last evaluated: 2022-05-06. Review status: criteria provided, single submitter. Criteria: ACMG Guidelines, 2015. Collection method: clinical testing. Allele origin: unknown.

GeneDx
Classification: Uncertain significance. Last evaluated: 2019-07-18. Review status: criteria provided, single submitter. Criteria: GeneDx Variant Classification Process June 2021. Collection method: clinical testing. Allele origin: germline. Affected: yes.
Comment: Has not been previously published as pathogenic or benign to our knowledge; Not observed in large population cohorts (Lek et al., 2016); In silico analysis, which includes splice predictors and evolutionary conservation, suggests this variant may impact gene splicing. In the absence of RNA/functional studies, the actual effect of this sequence change is unknown.

NM_020975.6(RET):c.1264-5C>A

Gene: RET (ret proto-oncogene; plus strand). Cytogenetic location: 10q11.21.
Variant type: single nucleotide variant.
Coding change: c.1264-5C>A on transcript NM_020975.6 (MANE Select); 5 bases into the intron before coding-DNA position 1264, C replaced by A.
Molecular consequence: intron variant.
Genome position (GRCh38, 1-based): chr10:43,111,202, C>A. VCF-style: chr10-43111202-C-A. GRCh37 (hg19) VCF-style: chr10-43606650-C-A.
Other names: c.1264-5C>A (NM_020630.7, NM_001406743.1, NM_001406744.1 and 4 more transcripts); c.868-5C>A (NM_001406772.1, NM_001406769.1); c.826-5C>A (NM_001406773.1, NM_001406771.1); c.626-897C>A (NM_001406782.1, NM_001406780.1, NM_001406779.1 and 3 more transcripts); c.1135-5C>A (NM_001406764.1, NM_001406762.1, NM_001406761.1 and 1 more transcripts); c.739-5C>A (NM_001406774.1); c.497-897C>A (NM_001406786.1, NM_001406783.1); c.976-5C>A (NM_001406770.1, NM_001406766.1, NM_001406767.1); and 5 more.
Identifiers: ClinVar variation 1201517 (VCV001201517.17), dbSNP rs9282835, ClinGen allele CA927697148.